The following is an entry in ClinVar:

ClinVar aggregate classification (germline): Uncertain significance. Review status: criteria provided, multiple submitters, no conflicts (2 of 4 stars). 4 submissions from 4 submitters: Uncertain significance (3). 1 of the submissions does not count toward it. Last evaluated 2025-11-02.

Conditions:
Inborn genetic diseases. Identifiers: MedGen C0950123, MeSH D030342.
Usher syndrome type 1F (USH1F). Also called: USHER SYNDROME, TYPE IF. Identifiers: Orphanet 231169, Orphanet 886, MedGen C1865885, MONDO:0011186, OMIM 602083.

Allele frequency attached by ClinVar (database versions not stated): TOPMed 0.00001.
gnomAD v4.1: 2 of 1,614,080 alleles (0.00012%); highest among the groups gnomAD compares: Admixed American, 0.0017%; no homozygotes.

Submissions (4):

Ambry Genetics
Classification: Uncertain significance for Inborn genetic diseases. Last evaluated: 2025-11-02. Review status: criteria provided, single submitter. Criteria: Ambry Variant Classification Scheme 2023. Collection method: clinical testing. Allele origin: germline.

Blueprint Genetics
Classification: Uncertain significance. Last evaluated: 2021-08-25. Review status: criteria provided, single submitter. Criteria: ACMG Guidelines, 2015. Collection method: clinical testing. Allele origin: germline.

Labcorp Genetics (formerly Invitae), Labcorp
Classification: Uncertain significance. Last evaluated: 2021-08-24. Review status: criteria provided, single submitter. Criteria: Invitae Variant Classification Sherloc (09022015). Collection method: clinical testing. Allele origin: germline.
Comment: This sequence change replaces proline with serine at codon 1427 of the PCDH15 protein (p.Pro1427Ser). The proline residue is moderately conserved and there is a moderate physicochemical difference between proline and serine. This variant is not present in population databases (ExAC no frequency). This variant has not been reported in the literature in individuals affected with PCDH15-related conditions. Algorithms developed to predict the effect of missense changes on protein structure and function (SIFT, PolyPhen-2, Align-GVGD) all suggest that this variant is likely to be tolerated. In summary, the available evidence is currently insufficient to determine the role of this variant in disease. Therefore, it has been classified as a Variant of Uncertain Significance.

Natera, Inc.
Classification: Uncertain significance for Usher syndrome type 1F. Last evaluated: 2021-02-03. Review status: no assertion criteria provided. Collection method: clinical testing. Allele origin: germline. Not counted in ClinVar's aggregate classification.

NM_001384140.1(PCDH15):c.4279C>T (p.Pro1427Ser)

Gene: PCDH15 (protocadherin related 15; minus strand). Cytogenetic location: 10q21.1.
Variant type: single nucleotide variant.
Coding change: c.4279C>T on transcript NM_001384140.1 (MANE Select); coding-DNA position 4279, C replaced by T.
Protein change: p.Pro1427Ser; replaces proline 1427 with serine.
Molecular consequence: missense variant.
Genome position (GRCh38, 1-based): chr10:53,827,481, G>A on the plus strand (C>T on the coding strand, the complement: PCDH15 is on the minus strand). VCF-style: chr10-53827481-G-A. GRCh37 (hg19) VCF-style: chr10-55587241-G-A.
Other names: c.4294C>T, p.Pro1432Ser (NM_001142763.2, NM_001142771.2); c.4279C>T, p.Pro1427Ser (NM_001142764.2, NM_001142770.3, NM_001142772.2 and 3 more transcripts); c.4066C>T, p.Pro1356Ser (NM_001142765.2); c.4270C>T, p.Pro1424Ser (NM_001142766.2); c.4159C>T, p.Pro1387Ser (NM_001142767.2); c.4213C>T, p.Pro1405Ser (NM_001142768.2, NM_001354404.2); c.4315C>T, p.Pro1439Ser (NM_001142769.4); c.4204C>T, p.Pro1402Ser (NM_001142773.2); and 2 more; short protein forms P1356S, P1387S, P1402S, P1405S, P1424S, P1427S, P1432S, P1434S.
Identifiers: ClinVar variation 1060871 (VCV001060871.9), dbSNP rs2076761111, ClinGen allele CA376527720.